The following is an entry in ClinVar:

ClinVar aggregate classification (germline): Uncertain significance (1 of 4 stars; one submission).

Submission:

GeneDx
Classification: Uncertain significance. Last evaluated: 2019-11-04. Review status: criteria provided, single submitter. Criteria: GeneDx Variant Classification Process June 2021. Collection method: clinical testing. Allele origin: germline. Affected: yes.
Comment: Not observed in large population cohorts (Lek et al., 2016); In silico analysis, which includes protein predictors and evolutionary conservation, supports that this variant does not alter protein structure/function; Has not been previously published as pathogenic or benign to our knowledge

NM_003334.4(UBA1):c.3103G>A (p.Val1035Met)

Gene: UBA1 (ubiquitin like modifier activating enzyme 1; plus strand). Cytogenetic location: Xp11.3.
Variant type: single nucleotide variant.
Coding change: c.3103G>A on transcript NM_003334.4 (MANE Select); coding-DNA position 3103, G replaced by A.
Protein change: p.Val1035Met; replaces valine 1035 with methionine.
Molecular consequence: missense variant.
Genome position (GRCh38, 1-based): chrX:47,214,855, G>A. VCF-style: chrX-47214855-G-A. GRCh37 (hg19) VCF-style: chrX-47074254-G-A.
Other names: c.3103G>A, p.Val1035Met (NM_153280.3); short protein forms V1035M.
Identifiers: ClinVar variation 1318344 (VCV001318344.2), dbSNP rs2147305100, ClinGen allele CA412812462.